The following is an entry in ClinVar:

NM_001163692.2(UBAP1L):c.408C>G (p.Pro136=)

Gene: UBAP1L (ubiquitin associated protein 1 like; minus strand). Cytogenetic location: 15q22.31.
Variant type: single nucleotide variant.
Coding change: c.408C>G on transcript NM_001163692.2 (MANE Select); coding-DNA position 408, C replaced by G.
Protein change: p.Pro136=; no amino-acid change (proline 136 retained).
Molecular consequence: synonymous variant.
Genome position (GRCh38, 1-based): chr15:65,102,397, G>C on the plus strand (C>G on the coding strand, the complement: UBAP1L is on the minus strand). VCF-style: chr15-65102397-G-C. GRCh37 (hg19) VCF-style: chr15-65394735-G-C.
Identifiers: ClinVar variation 4821794 (VCV004821794.4).

ClinVar aggregate classification (germline): Likely benign (1 of 4 stars; one submission).

Submission:

CeGaT Center for Human Genetics Tuebingen
Classification: Likely benign. Last evaluated: 2026-03-01. Review status: criteria provided, single submitter. Criteria: CeGaT Center For Human Genetics Tuebingen Variant Classification Criteria Version 2. Collection method: clinical testing. Allele origin: germline. Affected: yes. Observed: 1 variant allele.
Comment: UBAP1L: PM2:Supporting, BP4, BP7